The following is an entry in ClinVar:

ClinVar aggregate classification (germline): Uncertain significance. Review status: criteria provided, single submitter (1 of 4 stars). 2 submissions from 2 submitters: Uncertain significance (1). 1 of the submissions does not count toward it. Last evaluated 2022-07-20.

Conditions:
Citrullinemia type I (CTNL1). Also called: ASS DEFICIENCY; argininosuccinate synthetase deficiency. Identifiers: Orphanet 247525, MedGen C4721769, MONDO:0008988, OMIM 215700.
Citrullinemia. Identifiers: Orphanet 187, MedGen C0175683, MONDO:0015991.

Allele frequency attached by ClinVar (database versions not stated): ExAC 0.00001; gnomAD 0.00001 and 0.00003; gnomAD exomes 0.00001; TOPMed 0.00003.
gnomAD v4.1: 17 of 1,613,512 alleles (0.0011%); highest among the groups gnomAD compares: Admixed American, 0.0033%; no homozygotes.

Submissions (2):

Labcorp Genetics (formerly Invitae), Labcorp
Classification: Uncertain significance for Citrullinemia. Last evaluated: 2022-07-20. Review status: criteria provided, single submitter. Criteria: Invitae Variant Classification Sherloc (09022015). Collection method: clinical testing. Allele origin: germline.
Comment: This sequence change replaces valine, which is neutral and non-polar, with methionine, which is neutral and non-polar, at codon 351 of the ASS1 protein (p.Val351Met). This variant is present in population databases (rs773909247, gnomAD 0.006%). This variant has not been reported in the literature in individuals affected with ASS1-related conditions. ClinVar contains an entry for this variant (Variation ID: 843951). Algorithms developed to predict the effect of missense changes on protein structure and function are either unavailable or do not agree on the potential impact of this missense change (SIFT: "Deleterious"; PolyPhen-2: "Benign"; Align-GVGD: "Class C0"). In summary, the available evidence is currently insufficient to determine the role of this variant in disease. Therefore, it has been classified as a Variant of Uncertain Significance.

Natera, Inc.
Classification: Uncertain significance for Citrullinemia type I. Last evaluated: 2021-05-03. Review status: no assertion criteria provided. Collection method: clinical testing. Allele origin: germline. Not counted in ClinVar's aggregate classification.

NM_054012.4(ASS1):c.1051G>A (p.Val351Met)

Gene: ASS1 (argininosuccinate synthase 1; plus strand). Cytogenetic location: 9q34.11.
Variant type: single nucleotide variant.
Coding change: c.1051G>A on transcript NM_054012.4 (MANE Select); coding-DNA position 1051, G replaced by A.
Protein change: p.Val351Met; replaces valine 351 with methionine.
Molecular consequence: missense variant.
Genome position (GRCh38, 1-based): chr9:130,494,947, G>A. VCF-style: chr9-130494947-G-A. GRCh37 (hg19) VCF-style: chr9-133370334-G-A.
Other names: c.1051G>A, p.Val351Met (NM_000050.4); short protein forms V351M.
Identifiers: ClinVar variation 843951 (VCV000843951.6), dbSNP rs773909247, ClinGen allele CA5283619.